The following is an entry in ClinVar:

NM_001100913.3(PACS2):c.2341AAG[1] (p.Lys782del)

Gene: PACS2 (phosphofurin acidic cluster sorting protein 2; plus strand). Cytogenetic location: 14q32.33.
Variant type: Microsatellite.
Coding change: c.2341AAG[1] on transcript NM_001100913.3 (MANE Select); one copy of the 3-base unit AAG starting at c.2341; the reference has two copies in a row; one copy, 3 bases deleted.
Protein change: p.Lys782del; deletes lysine 782.
Molecular consequence: inframe deletion.
Genome position (GRCh38, 1-based): chr14:105,392,707-105,392,709, AAG deleted; deleting any 3 consecutive bases within chr14:105,392,702-105,392,709 gives the same sequence; the position shown is the placement nearest the transcript's 3' end. VCF-style (leftmost placement, unchanged base first): chr14-105392701-GAGA-G. GRCh37 (hg19) VCF-style: chr14-105859038-GAGA-G.
Other names: c.2071AAG[1], p.Lys692del (NM_001243127.3); c.2296AAG[1], p.Lys767del (NM_015197.4); short protein forms K782del, K767del, K692del.
Identifiers: ClinVar variation 1426890 (VCV001426890.9), dbSNP rs781997392, ClinGen allele CA7389247.

ClinVar aggregate classification (germline): Uncertain significance (1 of 4 stars; one submission).

Submission:

Labcorp Genetics (formerly Invitae), Labcorp
Classification: Uncertain significance. Last evaluated: 2023-08-10. Review status: criteria provided, single submitter. Criteria: Invitae Variant Classification Sherloc (09022015). Collection method: clinical testing. Allele origin: germline.
Comment: This variant, c.2344_2346del, results in the deletion of 1 amino acid(s) of the PACS2 protein (p.Lys782del), but otherwise preserves the integrity of the reading frame. This variant is present in population databases (rs781997392, gnomAD 0.01%). This variant has not been reported in the literature in individuals affected with PACS2-related conditions. Experimental studies and prediction algorithms are not available or were not evaluated, and the functional significance of this variant is currently unknown. In summary, the available evidence is currently insufficient to determine the role of this variant in disease. Therefore, it has been classified as a Variant of Uncertain Significance.